The following is an entry in ClinVar:

NM_030662.4(MAP2K2):c.198A>T (p.Glu66Asp)

Gene: MAP2K2 (mitogen-activated protein kinase kinase 2; minus strand). Cytogenetic location: 19p13.3.
Variant type: single nucleotide variant.
Coding change: c.198A>T on transcript NM_030662.4 (MANE Select); coding-DNA position 198, A replaced by T.
Protein change: p.Glu66Asp; replaces glutamic acid 66 with aspartic acid.
Molecular consequence: missense variant.
Genome position (GRCh38, 1-based): chr19:4,117,524, T>A on the plus strand (A>T on the coding strand, the complement: MAP2K2 is on the minus strand). VCF-style: chr19-4117524-T-A. GRCh37 (hg19) VCF-style: chr19-4117522-T-A.
Other names: short protein forms E66D.
Identifiers: ClinVar variation 561356 (VCV000561356.1), dbSNP rs1568263766, ClinGen allele CA403392639.
Genomic context (GRCh38, chr19:4,117,524, plus strand): 5'-GACCACCCCGCCGTTGCCCGCGCCCAGCTCTGAGATCCTTTCGAAGTCATCGTCTTTGAG[T>A]TCGCCGACCTTGGCTTTCTGGGTGAGAAAGGCTTCCAGCCGCTTCTTCTGCTGCTCGTCA-3'
Protein context (NP_109587.1, residues 56-76): AFLTQKAKVG[Glu66Asp]LKDDDFERIS

ClinVar aggregate classification (germline): Uncertain significance (1 of 4 stars; one submission).

Submission:

GeneDx
Classification: Uncertain significance. Last evaluated: 2017-12-11. Review status: criteria provided, single submitter. Criteria: GeneDx Variant Classification (06012015). Collection method: clinical testing. Allele origin: germline. Affected: yes.
Comment: The E66D variant has not been published as a pathogenic variant, nor has it been reported as a benign variant to our knowledge. E66D is a conservative amino acid substitution, which is not likely to impact secondary protein structure as these residues share similar properties. Additionally, in-silico analyses, including protein predictors and evolutionary conservation, support that this variant does not alter protein structure/function. However, E66D is not observed in large population cohorts (Lek et al., 2016). Missense variants in nearby residues (K61E/T, A62P) have been reported in the Human Gene Mutation Database in association with RASopathies (Stenson et al., 2014), supporting the functional importance of this region of the protein. In summary, based on the currently available information, it is unclear whether this variant is pathogenic or a rare benign variant.